The following is an entry in ClinVar:

NM_001161352.2(KCNMA1):c.2572C>T (p.Arg858Trp)

Genes: KCNMA1 (potassium calcium-activated channel subfamily M alpha 1; minus strand), KCNMA1-AS1 (KCNMA1 antisense RNA 1; plus strand). Cytogenetic location: 10q22.3.
Variant type: single nucleotide variant.
Coding change: c.2572C>T on transcript NM_001161352.2 (MANE Select); coding-DNA position 2572, C replaced by T.
Protein change: p.Arg858Trp; replaces arginine 858 with tryptophan.
Molecular consequence: missense variant.
Genome position (GRCh38, 1-based): chr10:76,949,279, G>A on the plus strand (C>T on the coding strand, the complement: KCNMA1 is on the minus strand). VCF-style: chr10-76949279-G-A. GRCh37 (hg19) VCF-style: chr10-78709037-G-A.
Other names: c.2410C>T, p.Arg804Trp (NM_001014797.3, NM_001322835.2, NM_001322837.2); c.2521C>T, p.Arg841Trp (NM_001161353.2); c.2248C>T, p.Arg750Trp (NM_001271518.2); c.2407C>T, p.Arg803Trp (NM_001271519.2, NM_001322829.2, NM_001322836.2); c.2419C>T, p.Arg807Trp (NM_001322830.2); c.2398C>T, p.Arg800Trp (NM_001322832.2, NM_002247.4); c.1945C>T, p.Arg649Trp (NM_001322838.2); short protein forms R649W, R750W, R800W, R803W, R804W, R807W, R841W, R858W.
Identifiers: ClinVar variation 1311186 (VCV001311186.10), dbSNP rs199681253, ClinGen allele CA210083383.

ClinVar aggregate classification (germline): Uncertain significance. Review status: criteria provided, multiple submitters, no conflicts (2 of 4 stars). 3 submissions from 3 submitters: Uncertain significance (2). 1 of the submissions does not count toward it. Last evaluated 2026-02-10.

Conditions:
Generalized epilepsy-paroxysmal dyskinesia syndrome (PNKD3). Also called: Generalized epilepsy and paroxysmal dyskinesia; Paroxysmal nonkinesigenic dyskinesia, 3, with or without generalized epilepsy. Identifiers: Orphanet 79137, MedGen C5574945, MONDO:0012276, OMIM 609446.
Seizure. Also called: Seizures. Identifiers: MedGen C0036572, HP:0001250.

Allele frequency attached by ClinVar (database versions not stated): gnomAD exomes below 0.00001; TOPMed 0.00001.
gnomAD v4.1: 3 of 1,614,096 alleles (0.00019%); highest among the groups gnomAD compares: Non-Finnish European, 0.00017%; no homozygotes.

Submissions (3):

GeneDx
Classification: Uncertain significance. Last evaluated: 2026-02-10. Review status: criteria provided, single submitter. Criteria: GeneDx Variant Classification Process June 2021. Collection method: clinical testing. Allele origin: germline. Affected: yes.
Comment: Published functional studies suggest a loss-of-function effect on BK channel currents (PMID: 31849601); In silico analysis supports that this missense variant has a deleterious effect on protein structure/function; Not observed at significant frequency in large population cohorts (gnomAD); This variant is associated with the following publications: (PMID: 31849601)

Labcorp Genetics (formerly Invitae), Labcorp
Classification: Uncertain significance for Generalized epilepsy-paroxysmal dyskinesia syndrome. Last evaluated: 2023-10-03. Review status: criteria provided, single submitter. Criteria: Invitae Variant Classification Sherloc (09022015). Collection method: clinical testing. Allele origin: germline.
Comment: This sequence change replaces arginine, which is basic and polar, with tryptophan, which is neutral and slightly polar, at codon 800 of the KCNMA1 protein (p.Arg800Trp). This variant is not present in population databases (gnomAD no frequency). This variant has not been reported in the literature in individuals affected with KCNMA1-related conditions. ClinVar contains an entry for this variant (Variation ID: 1311186). Advanced modeling of protein sequence and biophysical properties (such as structural, functional, and spatial information, amino acid conservation, physicochemical variation, residue mobility, and thermodynamic stability) performed at Invitae indicates that this missense variant is expected to disrupt KCNMA1 protein function. In summary, the available evidence is currently insufficient to determine the role of this variant in disease. Therefore, it has been classified as a Variant of Uncertain Significance.

Cytogénomique, Hospices Civils de Lyon
Classification: Likely pathogenic for Seizure. Last evaluated: 2022-08-02. Review status: no assertion criteria provided. Collection method: clinical testing. Allele origin: de novo. Inheritance: Sporadic. Affected: yes. Observed: 1 variant allele, 1 heterozygote. Not counted in ClinVar's aggregate classification.